The following is an entry in ClinVar:

NM_001148.6(ANK2):c.*110G>A

Gene: ANK2 (ankyrin 2; plus strand). Cytogenetic location: 4q26.
Variant type: single nucleotide variant.
Coding change: c.*110G>A on transcript NM_001148.6 (MANE Select); 110 bases downstream of the stop codon, G replaced by A.
Molecular consequence: 3 prime UTR variant. On other transcripts: missense variant (2).
Genome position (GRCh38, 1-based): chr4:113,381,581, G>A. VCF-style: chr4-113381581-G-A. GRCh37 (hg19) VCF-style: chr4-114302737-G-A.
Other names: c.*110G>A (NM_001127493.3, NM_001354225.2, NM_001354228.2 and 67 more transcripts); c.12493G>A, p.Asp4165Asn (NM_001386174.1); c.12469G>A, p.Asp4157Asn (NM_001386175.1); short protein forms D4157N, D4165N.
Identifiers: ClinVar variation 1294201 (VCV001294201.9), dbSNP rs554162056, ClinGen allele CA3052471.

ClinVar aggregate classification (germline): Benign/Likely benign. Review status: criteria provided, multiple submitters, no conflicts (2 of 4 stars). 2 submissions from 2 submitters: Benign (1); Likely benign (1). Last evaluated 2025-04-01.

Allele frequency attached by ClinVar (database versions not stated): ExAC 0.00020; 1000 Genomes Project 30x 0.00031; 1000 Genomes Project 0.00040.
gnomAD v4.1: 216 of 1,600,296 alleles (0.013%); highest among the groups gnomAD compares: African/African-American, 0.14%; no homozygotes.

Submissions (2):

CeGaT Center for Human Genetics Tuebingen
Classification: Likely benign. Last evaluated: 2025-04-01. Review status: criteria provided, single submitter. Criteria: CeGaT Center For Human Genetics Tuebingen Variant Classification Criteria Version 2. Collection method: clinical testing. Allele origin: germline. Affected: yes. Observed: 1 variant allele.
Comment: ANK2: BS1

GeneDx
Classification: Benign. Last evaluated: 2015-03-03. Review status: criteria provided, single submitter. Criteria: GeneDx Variant Classification Process June 2021. Collection method: clinical testing. Allele origin: germline. Affected: yes.